The following is an entry in ClinVar:

NM_203446.3(SYNJ1):c.3803C>T (p.Ala1268Val)

Gene: SYNJ1 (synaptojanin 1; minus strand). Cytogenetic location: 21q22.11.
Variant type: single nucleotide variant.
Coding change: c.3803C>T on transcript NM_203446.3 (MANE Select); coding-DNA position 3803, C replaced by T.
Protein change: p.Ala1268Val; replaces alanine 1268 with valine.
Molecular consequence: missense variant.
Genome position (GRCh38, 1-based): chr21:32,639,020, G>A on the plus strand (C>T on the coding strand, the complement: SYNJ1 is on the minus strand). VCF-style: chr21-32639020-G-A. GRCh37 (hg19) VCF-style: chr21-34011330-G-A.
Other names: c.3755C>T, p.Ala1252Val (NM_001160302.2); c.3662C>T, p.Ala1221Val (NM_001160306.2); c.3920C>T, p.Ala1307Val (NM_003895.4); short protein forms A1221V, A1252V, A1307V, A1268V.
Identifiers: ClinVar variation 656584 (VCV000656584.9), dbSNP rs1601231363, ClinGen allele CA410086908.

ClinVar aggregate classification (germline): Uncertain significance (1 of 4 stars; one submission).

Conditions:
Developmental and epileptic encephalopathy, 53. Also called: Epileptic encephalopathy, early infantile, 53. Identifiers: MedGen C4479313, MONDO:0033362, OMIM 617389.
Early-onset Parkinson disease 20. Also called: PARKINSON DISEASE 20, AUTOSOMAL RECESSIVE EARLY-ONSET. Identifiers: Orphanet 391411, MedGen C3809824, MONDO:0014233, OMIM 615530.

Submission:

Labcorp Genetics (formerly Invitae), Labcorp
Classification: Uncertain significance for Developmental and epileptic encephalopathy, 53; Early-onset Parkinson disease 20. Last evaluated: 2018-08-02. Review status: criteria provided, single submitter. Criteria: Invitae Variant Classification Sherloc (09022015). Collection method: clinical testing. Allele origin: germline.
Comment: In summary, the available evidence is currently insufficient to determine the role of this variant in disease. Therefore, it has been classified as a Variant of Uncertain Significance. Algorithms developed to predict the effect of missense changes on protein structure and function (SIFT, PolyPhen-2, Align-GVGD) all suggest that this variant is likely to be tolerated, but these predictions have not been confirmed by published functional studies and their clinical significance is uncertain. This variant has not been reported in the literature in individuals with SYNJ1-related disease. This variant is not present in population databases (ExAC no frequency). This sequence change replaces alanine with valine at codon 1307 of the SYNJ1 protein (p.Ala1307Val). The alanine residue is moderately conserved and there is a small physicochemical difference between alanine and valine.